The following is an entry in ClinVar:

ClinVar aggregate classification (germline): Pathogenic. Review status: criteria provided, multiple submitters, no conflicts (2 of 4 stars). 3 submissions from 3 submitters: Pathogenic (3). Last evaluated 2022-11-04.

Conditions:
Primary ciliary dyskinesia. Also called: Ciliary dyskinesia. Identifiers: Orphanet 244, MedGen C0008780, MONDO:0016575, HP:0012265.
Retinal dystrophy. Also called: Inherited retinal dystrophy. Identifiers: Orphanet 71862, MedGen C0854723, MeSH D058499, MONDO:0019118, HP:0000556.

Submissions (3):

Labcorp Genetics (formerly Invitae), Labcorp
Classification: Pathogenic for Primary ciliary dyskinesia. Last evaluated: 2022-11-04. Review status: criteria provided, single submitter. Criteria: Invitae Variant Classification Sherloc (09022015). Collection method: clinical testing. Allele origin: germline.
Comment: This premature translational stop signal has been observed in individual(s) with X-linked retinitis pigmentosa (PMID: 32000842). For these reasons, this variant has been classified as Pathogenic. This variant disrupts a region of the RPGR (ORF15) protein in which other variant(s) (p.Leu1130Lysfs*13) have been determined to be pathogenic (PMID: 22264887; Invitae). This suggests that this is a clinically significant region of the protein, and that variants that disrupt it are likely to be disease-causing. This variant is not present in population databases (gnomAD no frequency). This sequence change creates a premature translational stop signal (p.Glu834Glyfs*244) in the RPGR (ORF15) gene. While this is not anticipated to result in nonsense mediated decay, it is expected to disrupt the last 319 amino acid(s) of the RPGR (ORF15) protein.

PreventionGenetics, part of Exact Sciences
Classification: Pathogenic. Last evaluated: 2022-03-22. Review status: criteria provided, single submitter. Criteria: ACMG Guidelines, 2015. Collection method: clinical testing. Allele origin: germline.

Institute of Human Genetics, Univ. Regensburg, Univ. Regensburg
Classification: Pathogenic for Retinal dystrophy. Last evaluated: 2013-01-01. Review status: criteria provided, single submitter. Criteria: ACMG Guidelines, 2015. Collection method: clinical testing. Allele origin: germline. Affected: yes.

Literature cited by the submitters: PubMed 32000842 (cited by Labcorp Genetics (formerly Invitae), Labcorp and Institute of Human Genetics, Univ. Regensburg, Univ. Regensburg); PubMed 22264887 (cited by Labcorp Genetics (formerly Invitae), Labcorp).

NM_001034853.2(RPGR):c.2501_2502del (p.Glu834fs)

Gene: RPGR (retinitis pigmentosa GTPase regulator; minus strand). Cytogenetic location: Xp11.4.
Variant type: Deletion.
Coding change: c.2501_2502del on transcript NM_001034853.2 (MANE Select); coding-DNA positions 2501 to 2502, 2 bases deleted (AG; older notation c.2501_2502delAG).
Protein change: p.Glu834fs; shifts the reading frame from glutamic acid 834.
Molecular consequence: frameshift variant. On other transcripts: intron variant (8).
Genome position (GRCh38, 1-based): chrX:38,286,497-38,286,498, CT deleted on the plus strand (AG on the coding strand, the reverse complement: RPGR is on the minus strand); deleting any 2 consecutive bases within chrX:38,286,497-38,286,499 gives the same sequence; the c. name uses the placement nearest the transcript's 3' end. VCF-style (leftmost placement, unchanged base first): chrX-38286496-CCT-C. GRCh37 (hg19) VCF-style: chrX-38145749-CCT-C.
Other names: c.1569+4461_1569+4462del (NM_001367249.1, NM_001367250.1); c.1902+596_1902+597del (NM_001367245.1); c.1386+4461_1386+4462del (NM_001367251.1); c.1719+596_1719+597del (NM_001367246.1); c.1572+4461_1572+4462del (NM_001367247.1); c.1905+596_1905+597del (NM_000328.3); c.1602+4461_1602+4462del (NM_001367248.1); short protein forms E834fs.
Identifiers: ClinVar variation 1802333 (VCV001802333.8), dbSNP rs2519790385, ClinGen allele CA2580100911.
Genomic context (GRCh38, chrX:38,286,496, plus strand): 5'-CTCCTTCCTCCTCTTCCCCCTCCCCTTCCTCCTCTTCCCCCTCCCCTTCCTCCTCTTCCC[CCT>C]CACCCTCCTCCTCTTCCTCTTCCCTCTCTCCTTTCCCCTCCTCTACTTCCCCTCCCTCTA-3'